The following is an entry in ClinVar:

NM_004453.4(ETFDH):c.151C>T (p.Arg51Trp)

Gene: ETFDH (electron transfer flavoprotein dehydrogenase; plus strand). Cytogenetic location: 4q32.1.
Variant type: single nucleotide variant.
Coding change: c.151C>T on transcript NM_004453.4 (MANE Select); coding-DNA position 151, C replaced by T.
Protein change: p.Arg51Trp; replaces arginine 51 with tryptophan.
Molecular consequence: missense variant. On other transcripts: intron variant (1).
Genome position (GRCh38, 1-based): chr4:158,680,583, C>T. VCF-style: chr4-158680583-C-T. GRCh37 (hg19) VCF-style: chr4-159601735-C-T.
Other names: c.35-1612C>T (NM_001281737.2); short protein forms R51W.
Identifiers: ClinVar variation 1495835 (VCV001495835.6), dbSNP rs187248590, ClinGen allele CA3122285.

ClinVar aggregate classification (germline): Pathogenic (1 of 4 stars; one submission).

Conditions:
Multiple acyl-CoA dehydrogenase deficiency (MADD). Also called: Glutaric aciduria, type 2; Glutaric acidemia type II; GA 2; Glutaric Acidemia type 2; ETHYLMALONIC-ADIPICACIDURIA; GA II. Identifiers: Orphanet 26791, MedGen C0268596, MONDO:0009282, OMIM 231680.

Allele frequency attached by ClinVar (database versions not stated): gnomAD 0.00001 and 0.00002; gnomAD exomes 0.00001 and 0.00002; ExAC 0.00002; TOPMed 0.00002; 1000 Genomes Project 30x 0.00016; 1000 Genomes Project 0.00020.
gnomAD v4.1: 24 of 1,609,762 alleles (0.0015%); highest among the groups gnomAD compares: East Asian, 0.0067%; no homozygotes.

Submission:

Labcorp Genetics (formerly Invitae), Labcorp
Classification: Pathogenic for Multiple acyl-CoA dehydrogenase deficiency. Last evaluated: 2026-02-01. Review status: criteria provided, single submitter. Criteria: Invitae Variant Classification Sherloc (09022015). Collection method: clinical testing. Allele origin: germline.
Comment: This sequence change replaces arginine, which is basic and polar, with tryptophan, which is neutral and slightly polar, at codon 51 of the ETFDH protein (p.Arg51Trp). This variant is present in population databases (rs187248590, gnomAD 0.008%). This missense change has been observed in individual(s) with clinical features of multiple acyl-CoA dehydrogenase deficiency (internal data). In at least one individual the data is consistent with being in trans (on the opposite chromosome) from a pathogenic variant. ClinVar contains an entry for this variant (Variation ID: 1495835). Invitae Evidence Modeling of protein sequence and biophysical properties (such as structural, functional, and spatial information, amino acid conservation, physicochemical variation, residue mobility, and thermodynamic stability) indicates that this missense variant is expected to disrupt ETFDH protein function with a positive predictive value of 95%. This variant disrupts the p.Arg51 amino acid residue in ETFDH. Other variant(s) that disrupt this residue have been determined to be pathogenic (PMID: 24357026, 28456887, 29336361, 34819910). This suggests that this residue is clinically significant, and that variants that disrupt this residue are likely to be disease-causing. For these reasons, this variant has been classified as Pathogenic.

Literature cited by the submitters: PubMed 24357026; PubMed 28456887; PubMed 29336361; PubMed 34819910.